The following is an entry in ClinVar:

ClinVar aggregate classification (germline): Uncertain significance (1 of 4 stars; one submission).

Conditions:
Congenital myasthenic syndrome 4A. Also called: Myasthenic syndrome, congenital, 4a, slow-channel; MYASTHENIC SYNDROME, CONGENITAL, 4A, SLOW-CHANNEL, AUTOSOMAL RECESSIVE; CONGENITAL MYASTHENIC SYNDROME TYPE Ia1. Identifiers: Orphanet 590, MedGen C4225413, MONDO:0011600, OMIM 605809.

gnomAD v4.1: 1 of 1,613,590 alleles (0.000062%); highest among the groups gnomAD compares: Non-Finnish European, 0.000085%; no homozygotes.

Submission:

Labcorp Genetics (formerly Invitae), Labcorp
Classification: Uncertain significance for Congenital myasthenic syndrome 4A. Last evaluated: 2024-07-08. Review status: criteria provided, single submitter. Criteria: Invitae Variant Classification Sherloc (09022015). Collection method: clinical testing. Allele origin: germline.
Comment: This sequence change replaces glycine, which is neutral and non-polar, with cysteine, which is neutral and slightly polar, at codon 305 of the CHRNE protein (p.Gly305Cys). This variant is not present in population databases (gnomAD no frequency). This variant has not been reported in the literature in individuals affected with CHRNE-related conditions. Advanced modeling of protein sequence and biophysical properties (such as structural, functional, and spatial information, amino acid conservation, physicochemical variation, residue mobility, and thermodynamic stability) performed at Invitae indicates that this missense variant is expected to disrupt CHRNE protein function with a positive predictive value of 80%. In summary, the available evidence is currently insufficient to determine the role of this variant in disease. Therefore, it has been classified as a Variant of Uncertain Significance.

NM_000080.4(CHRNE):c.913G>T (p.Gly305Cys)

Genes: C17orf107 (chromosome 17 open reading frame 107; plus strand), CHRNE (cholinergic receptor nicotinic epsilon subunit; minus strand). Cytogenetic location: 17p13.2.
Variant type: single nucleotide variant.
Coding change: c.913G>T on transcript NM_000080.4 (MANE Select); coding-DNA position 913, G replaced by T.
Protein change: p.Gly305Cys; replaces glycine 305 with cysteine.
Molecular consequence: missense variant. On other transcripts: 3 prime UTR variant (1).
Genome position (GRCh38, 1-based): chr17:4,900,797, C>A on the plus strand (G>T on the coding strand, the complement: CHRNE is on the minus strand). VCF-style: chr17-4900797-C-A. GRCh37 (hg19) VCF-style: chr17-4804092-C-A.
Other names: c.*264C>A (NM_001145536.2); short protein forms G305C.
Identifiers: ClinVar variation 3658503 (VCV003658503.2).